The following is an entry in ClinVar:

NM_015346.4(ZFYVE26):c.6986+4G>C

Gene: ZFYVE26 (zinc finger FYVE-type containing 26; minus strand). Cytogenetic location: 14q24.1.
Variant type: single nucleotide variant.
Coding change: c.6986+4G>C on transcript NM_015346.4 (MANE Select); 4 bases into the intron after coding-DNA position 6986, G replaced by C.
Molecular consequence: intron variant.
Genome position (GRCh38, 1-based): chr14:67,755,047, C>G on the plus strand (G>C on the coding strand, the complement: ZFYVE26 is on the minus strand). VCF-style: chr14-67755047-C-G. GRCh37 (hg19) VCF-style: chr14-68221764-C-G.
Identifiers: ClinVar variation 2153264 (VCV002153264.2), dbSNP rs73276697, ClinGen allele CA7239102.

ClinVar aggregate classification (germline): Conflicting classifications of pathogenicity. Review status: criteria provided, conflicting classifications (1 of 4 stars). 2 submissions from 2 submitters: Uncertain significance (1); Likely benign (1). Last evaluated 2022-11-14.

Conditions:
Spastic paraplegia. Identifiers: MedGen C0037772, HP:0001258.

Allele frequency attached by ClinVar (database versions not stated): ExAC 0.00007; gnomAD 0.00023; TOPMed 0.00026; ESP Exome Variant Server 0.00046; 1000 Genomes Project 0.00060; 1000 Genomes Project 30x 0.00078.
gnomAD v4.1: 54 of 1,613,734 alleles (0.0033%); highest among the groups gnomAD compares: African/African-American, 0.072%; no homozygotes.

Submissions (2):

Blueprint Genetics
Classification: Likely benign. Last evaluated: 2022-11-14. Review status: criteria provided, single submitter. Criteria: ACMG Guidelines, 2015. Collection method: clinical testing. Allele origin: germline.

Labcorp Genetics (formerly Invitae), Labcorp
Classification: Uncertain significance for Spastic paraplegia. Last evaluated: 2022-10-24. Review status: criteria provided, single submitter. Criteria: Invitae Variant Classification Sherloc (09022015). Collection method: clinical testing. Allele origin: germline.
Comment: This sequence change falls in intron 37 of the ZFYVE26 gene. It does not directly change the encoded amino acid sequence of the ZFYVE26 protein. It affects a nucleotide within the consensus splice site. This variant is present in population databases (rs73276697, gnomAD 0.07%). This variant has not been reported in the literature in individuals affected with ZFYVE26-related conditions. Variants that disrupt the consensus splice site are a relatively common cause of aberrant splicing (PMID: 17576681, 9536098). Algorithms developed to predict the effect of sequence changes on RNA splicing suggest that this variant is not likely to affect RNA splicing. In summary, the available evidence is currently insufficient to determine the role of this variant in disease. Therefore, it has been classified as a Variant of Uncertain Significance.

Literature cited by the submitters: PubMed 17576681 (cited by Labcorp Genetics (formerly Invitae), Labcorp); PubMed 9536098 (cited by Labcorp Genetics (formerly Invitae), Labcorp).